The following is an entry in ClinVar:

NM_001330078.2(NRXN1):c.576G>A (p.Ser192=)

Gene: NRXN1 (neurexin 1; minus strand). Cytogenetic location: 2p16.3.
Variant type: single nucleotide variant.
Coding change: c.576G>A on transcript NM_001330078.2 (MANE Select); coding-DNA position 576, G replaced by A.
Protein change: p.Ser192=; no amino-acid change (serine 192 retained).
Molecular consequence: synonymous variant.
Genome position (GRCh38, 1-based): chr2:51,027,698, C>T on the plus strand (G>A on the coding strand, the complement: NRXN1 is on the minus strand). VCF-style: chr2-51027698-C-T. GRCh37 (hg19) VCF-style: chr2-51254836-C-T.
Other names: c.576G>A, p.Ser192= (NM_001135659.3, NM_001330077.2, NM_001330079.2 and 15 more transcripts); c.576G>A (NM_001135659.2).
Identifiers: ClinVar variation 669054 (VCV000669054.12), dbSNP rs1165324585, ClinGen allele CA426129213.

ClinVar aggregate classification (germline): Likely benign. Review status: criteria provided, multiple submitters, no conflicts (2 of 4 stars). 3 submissions from 3 submitters: Likely benign (2). 1 of the submissions does not count toward it. Last evaluated 2025-06-02.

Conditions:
Pitt-Hopkins-like syndrome 2 (PTHSL2). Identifiers: Orphanet 221150, Orphanet 600663, MedGen C3280479, MONDO:0013690, OMIM 614325.
NRXN1-related disorder.

Allele frequency attached by ClinVar (database versions not stated): gnomAD exomes 0.00001; gnomAD 0.00003; TOPMed 0.00003.
gnomAD v4.1: 10 of 1,605,864 alleles (0.00062%); highest among the groups gnomAD compares: African/African-American, 0.0027%; no homozygotes.

Submissions (3):

Labcorp Genetics (formerly Invitae), Labcorp
Classification: Likely benign for Pitt-Hopkins-like syndrome 2. Last evaluated: 2025-06-02. Review status: criteria provided, single submitter. Criteria: Invitae Variant Classification Sherloc (09022015). Collection method: clinical testing. Allele origin: germline.

GeneDx
Classification: Likely benign. Last evaluated: 2018-06-01. Review status: criteria provided, single submitter. Criteria: GeneDx Variant Classification (06012015). Collection method: clinical testing. Allele origin: germline. Affected: yes.
Comment: This variant is considered likely benign or benign based on one or more of the following criteria: it is a conservative change, it occurs at a poorly conserved position in the protein, it is predicted to be benign by multiple in silico algorithms, and/or has population frequency not consistent with disease.

PreventionGenetics, part of Exact Sciences
Classification: Likely benign for NRXN1-related condition. Last evaluated: 2022-07-27. Review status: no assertion criteria provided. Collection method: clinical testing. Allele origin: germline. Not counted in ClinVar's aggregate classification.
Comment: This variant is classified as likely benign based on ACMG/AMP sequence variant interpretation guidelines (Richards et al. 2015 PMID: 25741868, with internal and published modifications).